The following is an entry in ClinVar:

ClinVar aggregate classification (germline): Uncertain significance (1 of 4 stars; one submission).

Conditions:
Glycosylphosphatidylinositol biosynthesis defect 21. Also called: NEURODEVELOPMENTAL DISORDER WITH BRAIN ANOMALIES, SEIZURES, AND SCOLIOSIS. Identifiers: MedGen C5231419, MONDO:0032824, OMIM 618590.

Allele frequency attached by ClinVar (database versions not stated): ExAC 0.00003.
gnomAD v4.1: 7 of 1,613,944 alleles (0.00043%); highest among the groups gnomAD compares: Admixed American, 0.012%; no homozygotes.

Submission:

Illumina Laboratory Services, Illumina
Classification: Uncertain significance for Glycosylphosphatidylinositol biosynthesis defect 21. Last evaluated: 2019-08-06. Review status: criteria provided, single submitter. Criteria: ICSLVariantClassificationCriteria RUGD 01 April 2020. Collection method: clinical testing. Allele origin: unknown.
Comment: The PIGU c.989C>G (p.Pro330Arg) variant is a missense variant. A literature search was performed for the gene, cDNA change, and amino acid change. No publications were found based on this search. This variant is reported at a frequency of 0.000174 in the Latino population of the Genome Aggregation Database. Based on the limited evidence, the c.989C>G (p.Pro330Arg) variant is classified as a variant of uncertain significance for PIGU-related GPI biosynthesis deficiency.

NM_080476.5(PIGU):c.989C>G (p.Pro330Arg)

Gene: PIGU (phosphatidylinositol glycan anchor biosynthesis class U; minus strand). Cytogenetic location: 20q11.22.
Variant type: single nucleotide variant.
Coding change: c.989C>G on transcript NM_080476.5 (MANE Select); coding-DNA position 989, C replaced by G.
Protein change: p.Pro330Arg; replaces proline 330 with arginine.
Molecular consequence: missense variant.
Genome position (GRCh38, 1-based): chr20:34,581,610, G>C on the plus strand (C>G on the coding strand, the complement: PIGU is on the minus strand). VCF-style: chr20-34581610-G-C. GRCh37 (hg19) VCF-style: chr20-33169414-G-C.
Other names: short protein forms P330R.
Identifiers: ClinVar variation 3062090 (VCV003062090.1), dbSNP rs555958102, ClinGen allele CA9822501.